The following is an entry in ClinVar:

NM_001135146.2(SLC39A8):c.1091A>G (p.Gln364Arg)

Genes: SLC39A8 (solute carrier family 39 member 8; minus strand), LOC126807125 (MED14-independent group 3 enhancer GRCh37_chr4:103188587-103189786; plus strand). Cytogenetic location: 4q24.
Variant type: single nucleotide variant.
Coding change: c.1091A>G on transcript NM_001135146.2 (MANE Select); coding-DNA position 1091, A replaced by G.
Protein change: p.Gln364Arg; replaces glutamine 364 with arginine.
Molecular consequence: missense variant.
Genome position (GRCh38, 1-based): chr4:102,267,632, T>C on the plus strand (A>G on the coding strand, the complement: SLC39A8 is on the minus strand). VCF-style: chr4-102267632-T-C. GRCh37 (hg19) VCF-style: chr4-103188789-T-C.
Other names: c.1091A>G, p.Gln364Arg (NM_001135147.1, NM_022154.5); c.890A>G, p.Gln297Arg (NM_001135148.2); short protein forms Q364R, Q297R.
Identifiers: ClinVar variation 429636 (VCV000429636.2), dbSNP rs1131691502, ClinGen allele CA357749690.
Genomic context (GRCh38, chr4:102,267,632, plus strand): 5'-ATGCCAAAAGCTAGCCCAACATAGCAGGAACATGCAGAAAGGAAGTTGAATAGCAAGGCT[T>C]GTCGAGTGCTCATCCCTGCATTGAGTAGGATCACAAAGTCTCCTAGAAGAAGAAGAAGAA-3'
Protein context (NP_001128618.1, residues 354-374): ILLNAGMSTR[Gln364Arg]ALLFNFLSAC

ClinVar aggregate classification (germline): Uncertain significance (1 of 4 stars; one submission).

Allele frequency attached by ClinVar (database versions not stated): gnomAD 0.00001; gnomAD exomes below 0.00001; TOPMed below 0.00001.
gnomAD v4.1: 3 of 1,613,114 alleles (0.00019%); highest among the groups gnomAD compares: Non-Finnish European, 0.00025%; no homozygotes.

Submission:

GeneDx
Classification: Uncertain significance. Last evaluated: 2017-05-11. Review status: criteria provided, single submitter. Criteria: GeneDx Variant Classification (06012015). Collection method: clinical testing. Allele origin: germline. Affected: yes.
Comment: The Q364R variant in the SLC39A8 gene has not been reported previously as a pathogenic variant, nor as a benign variant, to our knowledge. The Q364R variant is not observed in large population cohorts (Lek et al., 2016; 1000 Genomes Consortium et al., 2015; Exome Variant Server). The Q364R variant is a semi-conservative amino acid substitution, which may impact secondary protein structure as these residues differ in some properties. This substitution occurs at a position that is conserved across species, and in silico analysis predicts this variant is probably damaging to the protein structure/function. We interpret Q364R as a variant of uncertain significance.